The following is an entry in ClinVar:

NM_001384732.1(CPLANE1):c.4310T>C (p.Ile1437Thr)

Genes: CPLANE1 (ciliogenesis and planar polarity effector complex subunit 1; minus strand), LOC129389274 (MPRA-validated peak5227 silencer; plus strand). Cytogenetic location: 5p13.2.
Variant type: single nucleotide variant.
Coding change: c.4310T>C on transcript NM_001384732.1 (MANE Select); coding-DNA position 4310, T replaced by C.
Protein change: p.Ile1437Thr; replaces isoleucine 1437 with threonine.
Molecular consequence: missense variant.
Genome position (GRCh38, 1-based): chr5:37,184,959, A>G on the plus strand (T>C on the coding strand, the complement: CPLANE1 is on the minus strand). VCF-style: chr5-37184959-A-G. GRCh37 (hg19) VCF-style: chr5-37185061-A-G.
Other names: c.4310T>C, p.Ile1437Thr (NM_023073.4); short protein forms I1437T.
Identifiers: ClinVar variation 158036 (VCV000158036.21), dbSNP rs6859950, ClinGen allele CA171437.

ClinVar aggregate classification (germline): Benign. Review status: criteria provided, multiple submitters, no conflicts (2 of 4 stars). 6 submissions from 6 submitters: Benign (5). 1 of the submissions does not count toward it. Last evaluated 2026-02-01.

Conditions:
Joubert syndrome 17 (JBTS17). Identifiers: Orphanet 475, MedGen C3553264, MONDO:0013824, OMIM 614615.

Allele frequency attached by ClinVar (database versions not stated): gnomAD exomes 0.00123 and 0.00313; ExAC 0.00382; gnomAD 0.01204 and 0.01291; TOPMed 0.01364; 1000 Genomes Project 0.01378; ESP Exome Variant Server 0.01453; 1000 Genomes Project 30x 0.01530.
gnomAD v4.1: 3,698 of 1,614,032 alleles (0.23%); highest among the groups gnomAD compares: African/African-American, 4.3%; 75 homozygotes.

Submissions (6):

Labcorp Genetics (formerly Invitae), Labcorp
Classification: Benign. Last evaluated: 2026-02-01. Review status: criteria provided, single submitter. Criteria: Invitae Variant Classification Sherloc (09022015). Collection method: clinical testing. Allele origin: germline.

Illumina Laboratory Services, Illumina
Classification: Benign for Joubert syndrome 17. Last evaluated: 2018-01-12. Review status: criteria provided, single submitter. Criteria: ICSL Variant Classification Criteria 13 December 2019. Collection method: clinical testing. Allele origin: germline.
Comment: This variant was observed in the ICSL laboratory as part of a predisposition screen in an ostensibly healthy population. It had not been previously curated by ICSL or reported in the Human Gene Mutation Database (HGMD: prior to June 1st, 2018), and was therefore a candidate for classification through an automated scoring system. Utilizing variant allele frequency, disease prevalence and penetrance estimates, and inheritance mode, an automated score was calculated to assess if this variant is too frequent to cause the disease. Based on the score and internal cut-off values, a variant classified as benign is not then subjected to further curation. The score for this variant resulted in a classification of benign for this disease.

GeneDx
Classification: Benign. Last evaluated: 2017-05-11. Review status: criteria provided, single submitter. Criteria: GeneDx Variant Classification (06012015). Collection method: clinical testing. Allele origin: germline. Affected: yes.
Comment: This variant is considered likely benign or benign based on one or more of the following criteria: it is a conservative change, it occurs at a poorly conserved position in the protein, it is predicted to be benign by multiple in silico algorithms, and/or has population frequency not consistent with disease.

Breakthrough Genomics
Classification: Benign. Review status: criteria provided, single submitter. Criteria: ACMG Guidelines, 2015. Collection method: not provided. Allele origin: germline. Inheritance: Autosomal recessive inheritance. Affected: yes.

PreventionGenetics, part of Exact Sciences
Classification: Benign. Review status: criteria provided, single submitter. Criteria: ACMG Guidelines, 2015. Collection method: clinical testing. Allele origin: germline.

Genetic Services Laboratory, University of Chicago
Classification: Likely benign. Review status: no assertion criteria provided. Collection method: clinical testing. Allele origin: germline. Inheritance: Autosomal recessive inheritance. Not counted in ClinVar's aggregate classification.
Comment: Likely benign based on allele frequency in 1000 Genomes Project or ESP global frequency and its presence in a patient with a rare or unrelated disease phenotype. NOT Sanger confirmed